The following is an entry in ClinVar:

NM_001127178.3(PIGG):c.2231C>T (p.Pro744Leu)

Gene: PIGG (phosphatidylinositol glycan anchor biosynthesis class G (EMM blood group); plus strand). Cytogenetic location: 4p16.3.
Variant type: single nucleotide variant.
Coding change: c.2231C>T on transcript NM_001127178.3 (MANE Select); coding-DNA position 2231, C replaced by T.
Protein change: p.Pro744Leu; replaces proline 744 with leucine.
Molecular consequence: missense variant. On other transcripts: non-coding transcript variant (10).
Genome position (GRCh38, 1-based): chr4:527,200, C>T. VCF-style: chr4-527200-C-T. GRCh37 (hg19) VCF-style: chr4-520989-C-T.
Other names: c.2231C>T (NM_001127178.1); c.1964C>T, p.Pro655Leu (NM_001289051.2, NM_001345986.2); c.1832C>T, p.Pro611Leu (NM_001289052.2); c.1940C>T, p.Pro647Leu (NM_001345987.2); c.1202C>T, p.Pro401Leu (NM_001345988.2); c.698C>T, p.Pro233Leu (NM_001345990.2, NM_001345991.2); c.1133C>T, p.Pro378Leu (NM_001345994.2); c.2207C>T, p.Pro736Leu (NM_017733.5); short protein forms P744L, P647L, P655L, P611L, P233L, P378L, P401L, P736L.
Identifiers: ClinVar variation 542881 (VCV000542881.12), dbSNP rs111545736, ClinGen allele CA2793577.
Genomic context (GRCh38, chr4:527,200, plus strand): 5'-TGGCGCTGGGGCTGCTGGGCGTCTACTGCTACCGGGCGGCCATCGGGAGTGTCCGGTTCC[C>T]GTGGCGGCCGGACAGCAAGGACATTTCCAAGTAAGTGCGTGGCGGACACGGGGTGCATAG-3'
Protein context (NP_001120650.1, residues 734-754): YRAAIGSVRF[Pro744Leu]WRPDSKDISK

ClinVar aggregate classification (germline): Uncertain significance. Review status: criteria provided, multiple submitters, no conflicts (2 of 4 stars). 2 submissions from 2 submitters: Uncertain significance (2). Last evaluated 2024-11-13.

Conditions:
Inborn genetic diseases. Identifiers: MedGen C0950123, MeSH D030342.
Intellectual disability, autosomal recessive 53 (NEDHSCA). Also called: GLYCOSYLPHOSPHATIDYLINOSITOL BIOSYNTHESIS DEFECT 13; Mental retardation, autosomal recessive 53; NEURODEVELOPMENTAL DISORDER WITH OR WITHOUT HYPOTONIA, SEIZURES, AND CEREBELLAR ATROPHY. Identifiers: Orphanet 488635, MedGen C4310794, MONDO:0014832, OMIM 616917.

Allele frequency attached by ClinVar (database versions not stated): gnomAD 0.00006 and 0.00009; TOPMed 0.00010; gnomAD exomes 0.00013; ESP Exome Variant Server 0.00008; ExAC 0.00014.
gnomAD v4.1: 129 of 1,603,668 alleles (0.008%); highest among the groups gnomAD compares: South Asian, 0.078%; no homozygotes.

Submissions (2):

Ambry Genetics
Classification: Uncertain significance for Inborn genetic diseases. Last evaluated: 2024-11-13. Review status: criteria provided, single submitter. Criteria: Ambry Variant Classification Scheme 2023. Collection method: clinical testing. Allele origin: germline.

Labcorp Genetics (formerly Invitae), Labcorp
Classification: Uncertain significance for Intellectual disability, autosomal recessive 53. Last evaluated: 2023-10-03. Review status: criteria provided, single submitter. Criteria: Invitae Variant Classification Sherloc (09022015). Collection method: clinical testing. Allele origin: germline.
Comment: This sequence change replaces proline, which is neutral and non-polar, with leucine, which is neutral and non-polar, at codon 744 of the PIGG protein (p.Pro744Leu). This variant is present in population databases (rs111545736, gnomAD 0.09%). This variant has not been reported in the literature in individuals affected with PIGG-related conditions. ClinVar contains an entry for this variant (Variation ID: 542881). Advanced modeling of protein sequence and biophysical properties (such as structural, functional, and spatial information, amino acid conservation, physicochemical variation, residue mobility, and thermodynamic stability) has been performed at Invitae for this missense variant, however the output from this modeling did not meet the statistical confidence thresholds required to predict the impact of this variant on PIGG protein function. In summary, the available evidence is currently insufficient to determine the role of this variant in disease. Therefore, it has been classified as a Variant of Uncertain Significance.